The following is an entry in ClinVar:

ClinVar aggregate classification (germline): Uncertain significance (1 of 4 stars; one submission).

Submission:

Labcorp Genetics (formerly Invitae), Labcorp
Classification: Uncertain significance. Last evaluated: 2021-08-05. Review status: criteria provided, single submitter. Criteria: Invitae Variant Classification Sherloc (09022015). Collection method: clinical testing. Allele origin: germline.
Comment: This sequence change replaces proline with leucine at codon 1219 of the COL4A5 protein (p.Pro1219Leu). The proline residue is moderately conserved and there is a moderate physicochemical difference between proline and leucine. This variant is not present in population databases (ExAC no frequency). This variant has not been reported in the literature in individuals affected with COL4A5-related conditions. Advanced modeling of protein sequence and biophysical properties (such as structural, functional, and spatial information, amino acid conservation, physicochemical variation, residue mobility, and thermodynamic stability) performed at Invitae indicates that this missense variant is not expected to disrupt COL4A5 protein function. In summary, the available evidence is currently insufficient to determine the role of this variant in disease. Therefore, it has been classified as a Variant of Uncertain Significance.

NM_033380.3(COL4A5):c.3656C>T (p.Pro1219Leu)

Gene: COL4A5 (collagen type IV alpha 5 chain; plus strand). Cytogenetic location: Xq22.3.
Variant type: single nucleotide variant.
Coding change: c.3656C>T on transcript NM_033380.3 (MANE Select); coding-DNA position 3656, C replaced by T.
Protein change: p.Pro1219Leu; replaces proline 1219 with leucine.
Molecular consequence: missense variant.
Genome position (GRCh38, 1-based): chrX:108,668,370, C>T. VCF-style: chrX-108668370-C-T. GRCh37 (hg19) VCF-style: chrX-107911600-C-T.
Other names: c.3656C>T, p.Pro1219Leu (NM_000495.5); short protein forms P1219L.
Identifiers: ClinVar variation 1963771 (VCV001963771.2), dbSNP rs2524575049, ClinGen allele CA413848538.
Genomic context (GRCh38, chrX:108,668,370, plus strand): 5'-CTTTCATAGGCCAAAAGGGTGATGGAGGATTACCTGGGATTCCAGGAAATCCTGGCCTTC[C>T]AGGTCCAAAGGGCGAACCAGGCTTTCACGGTTTCCCTGGTGTGCAGGGTCCCCCAGGCCC-3'
Protein context (NP_203699.1, residues 1209-1229): LPGIPGNPGL[Pro1219Leu]GPKGEPGFHG